The following is an entry in ClinVar:

ClinVar aggregate classification (germline): Pathogenic. Review status: criteria provided, single submitter (1 of 4 stars). 2 submissions from 2 submitters: Pathogenic (1). 1 of the submissions does not count toward it. Last evaluated 2023-07-07.

Conditions:
Early-infantile DEE. Also called: Early infantile epileptic encephalopathy with suppression bursts; Ohtahara syndrome; Early infantile epileptic encephalopathy. Identifiers: Orphanet 1934, MedGen C0393706, MONDO:0800491.
Seizures, benign familial neonatal, 1. Also called: Benign Neonatal Epilepsy 1; KCNQ2-Related Benign Familial Neonatal Epilepsy; KCNQ2-Related Self-Limited Familial Neonatal Epilepsy (SLFNE); Seizures, benign neonatal, 1. Identifiers: Orphanet 1949, MedGen C3149074, MONDO:0007365, OMIM 121200.

Submissions (8):

Labcorp Genetics (formerly Invitae), Labcorp
Classification: Pathogenic for Early-infantile DEE. Last evaluated: 2023-07-07. Review status: criteria provided, single submitter. Criteria: Invitae Variant Classification Sherloc (09022015). Collection method: clinical testing. Allele origin: germline.
Comment: This missense change has been observed in individuals with KCNQ2-related conditions (PMID: 14534157, 30478917). This sequence change replaces leucine, which is neutral and non-polar, with phenylalanine, which is neutral and non-polar, at codon 243 of the KCNQ2 protein (p.Leu243Phe). This variant is not present in population databases (gnomAD no frequency). ClinVar contains an entry for this variant (Variation ID: 21798). Advanced modeling of protein sequence and biophysical properties (such as structural, functional, and spatial information, amino acid conservation, physicochemical variation, residue mobility, and thermodynamic stability) performed at Invitae indicates that this missense variant is expected to disrupt KCNQ2 protein function. Experimental studies have shown that this missense change affects KCNQ2 function (PMID: 30478917). This variant disrupts the p.Leu243 amino acid residue in KCNQ2. Other variant(s) that disrupt this residue have been determined to be pathogenic (PMID: 31019026). This suggests that this residue is clinically significant, and that variants that disrupt this residue are likely to be disease-causing. For these reasons, this variant has been classified as Pathogenic.

Channelopathy-Associated Epilepsy Research Center
No classification provided (evidence only). Condition: Complex neurodevelopmental disorder. Review status: no classification provided. Collection method: literature only. Allele origin: not applicable. Functional consequence: Severe decrease in peak current, Severe slowing of activation, Severe hyperpolarizing shift of voltage dependence of activation. Not counted in ClinVar's aggregate classification.
ClinVar note: "not provided" was previously submitted as the classification for the variant. However, the classification appeared to be based only on an observation of functional data so it was converted to no classification on 2025-07-30.

Channelopathy-Associated Epilepsy Research Center
No classification provided (evidence only). Review status: no classification provided. Collection method: in vitro. Allele origin: not applicable. Functional consequence: Normal peak current. Not counted in ClinVar's aggregate classification.

Channelopathy-Associated Epilepsy Research Center
No classification provided (evidence only). Review status: no classification provided. Collection method: in vitro. Allele origin: not applicable. Functional consequence: Normal peak current. Not counted in ClinVar's aggregate classification.

Channelopathy-Associated Epilepsy Research Center
No classification provided (evidence only). Review status: no classification provided. Collection method: in vitro. Allele origin: not applicable. Functional consequence: Hyperpolarizing shift of voltage dependence of activation. Not counted in ClinVar's aggregate classification.

Channelopathy-Associated Epilepsy Research Center
No classification provided (evidence only). Review status: no classification provided. Collection method: in vitro. Allele origin: not applicable. Functional consequence: Normal slope of activation. Not counted in ClinVar's aggregate classification.

Channelopathy-Associated Epilepsy Research Center
No classification provided (evidence only). Review status: no classification provided. Collection method: in vitro. Allele origin: not applicable. Functional consequence: Slowing of activation. Not counted in ClinVar's aggregate classification.

GeneReviews
No classification provided. Condition: Seizures, benign familial neonatal, 1. Review status: no classification provided. Collection method: literature only. Allele origin: germline. Affected: yes. Not counted in ClinVar's aggregate classification.
Comment: BFNE (benign familial neonatal epilepsy)

Literature cited by the submitters: PubMed 14534157 (cited by Labcorp Genetics (formerly Invitae), Labcorp and GeneReviews); PubMed 30478917 (cited by Labcorp Genetics (formerly Invitae), Labcorp); PubMed 31019026 (cited by Labcorp Genetics (formerly Invitae), Labcorp); PubMed 35104249 (cited by Channelopathy-Associated Epilepsy Research Center); NCBI Bookshelf NBK32534 (cited by GeneReviews).

NM_172107.4(KCNQ2):c.727C>T (p.Leu243Phe)

Gene: KCNQ2 (potassium voltage-gated channel subfamily Q member 2; minus strand). Cytogenetic location: 20q13.33.
Variant type: single nucleotide variant.
Coding change: c.727C>T on transcript NM_172107.4 (MANE Select); coding-DNA position 727, C replaced by T.
Protein change: p.Leu243Phe; replaces leucine 243 with phenylalanine.
Molecular consequence: missense variant.
Genome position (GRCh38, 1-based): chr20:63,442,495, G>A on the plus strand (C>T on the coding strand, the complement: KCNQ2 is on the minus strand). VCF-style: chr20-63442495-G-A. GRCh37 (hg19) VCF-style: chr20-62073848-G-A.
Other names: c.727C>T, p.Leu243Phe (NM_004518.6, NM_172106.3, NM_172108.5 and 1 more transcripts); short protein forms L243F.
Identifiers: ClinVar variation 21798 (VCV000021798.9), dbSNP rs118192205, ClinGen allele CA342523.